The following is an entry in ClinVar:

NM_001330723.2(SNX27):c.632T>A (p.Phe211Tyr)

Gene: SNX27 (sorting nexin 27; plus strand). Cytogenetic location: 1q21.3.
Variant type: single nucleotide variant.
Coding change: c.632T>A on transcript NM_001330723.2 (MANE Select); coding-DNA position 632, T replaced by A.
Protein change: p.Phe211Tyr; replaces phenylalanine 211 with tyrosine.
Molecular consequence: missense variant.
Genome position (GRCh38, 1-based): chr1:151,658,323, T>A. VCF-style: chr1-151658323-T-A. GRCh37 (hg19) VCF-style: chr1-151630799-T-A.
Other names: c.632T>A, p.Phe211Tyr (NM_030918.6); short protein forms F211Y.
Identifiers: ClinVar variation 835383 (VCV000835383.10), dbSNP rs1669791900, ClinGen allele CA341958677.

ClinVar aggregate classification (germline): Uncertain significance (1 of 4 stars; one submission).

Conditions:
Severe myoclonic epilepsy in infancy (DRVT). Also called: DEVELOPMENTAL AND EPILEPTIC ENCEPHALOPATHY 6A; Severe Myoclonic Epilepsy in Infancy (SMEI); SEVERE MYOCLONIC EPILEPSY OF INFANCY; Dravet syndrome; Epileptic encephalopathy, early infantile, 6 (Dravet syndrome). Identifiers: Orphanet 33069, MedGen C0751122, MONDO:0100135, OMIM 607208.

Submission:

Labcorp Genetics (formerly Invitae), Labcorp
Classification: Uncertain significance for Severe myoclonic epilepsy in infancy. Last evaluated: 2021-07-09. Review status: criteria provided, single submitter. Criteria: Invitae Variant Classification Sherloc (09022015). Collection method: clinical testing. Allele origin: germline.
Comment: This sequence change replaces phenylalanine with tyrosine at codon 211 of the SNX27 protein (p.Phe211Tyr). The phenylalanine residue is highly conserved and there is a small physicochemical difference between phenylalanine and tyrosine. This variant is not present in population databases (ExAC no frequency). This variant has not been reported in the literature in individuals with SNX27-related conditions. Algorithms developed to predict the effect of missense changes on protein structure and function are either unavailable or do not agree on the potential impact of this missense change (SIFT: "Deleterious"; PolyPhen-2: "Probably Damaging"; Align-GVGD: "Class C15"). In summary, the available evidence is currently insufficient to determine the role of this variant in disease. Therefore, it has been classified as a Variant of Uncertain Significance.